The following is an entry in ClinVar:

ClinVar aggregate classification (germline): Uncertain significance (1 of 4 stars; one submission).

Conditions:
Cardiovascular phenotype. Identifiers: MedGen CN230736.

Allele frequency attached by ClinVar (database versions not stated): TOPMed 0.00005.
gnomAD v4.1: 37 of 1,613,140 alleles (0.0023%); highest among the groups gnomAD compares: Admixed American, 0.0083%; no homozygotes.

Submission:

Ambry Genetics
Classification: Uncertain significance for Cardiovascular phenotype. Last evaluated: 2021-09-21. Review status: criteria provided, single submitter. Criteria: Ambry Variant Classification Scheme 2023. Collection method: clinical testing. Allele origin: germline.
Comment: The p.G1616R variant (also known as c.4846G>A), located in coding exon 12 of the TNXB gene, results from a G to A substitution at nucleotide position 4846. The glycine at codon 1616 is replaced by arginine, an amino acid with dissimilar properties. This amino acid position is conserved. In addition, this alteration is predicted to be tolerated by in silico analysis. Since supporting evidence is limited at this time, the clinical significance of this alteration remains unclear.

NM_001365276.2(TNXB):c.4846G>A (p.Gly1616Arg)

Gene: TNXB (tenascin XB; minus strand). Cytogenetic location: 6p21.33.
Variant type: single nucleotide variant.
Coding change: c.4846G>A on transcript NM_001365276.2 (MANE Select); coding-DNA position 4846, G replaced by A.
Protein change: p.Gly1616Arg; replaces glycine 1616 with arginine.
Molecular consequence: missense variant.
Genome position (GRCh38, 1-based): chr6:32,072,134, C>T on the plus strand (G>A on the coding strand, the complement: TNXB is on the minus strand). VCF-style: chr6-32072134-C-T. GRCh37 (hg19) VCF-style: chr6-32039911-C-T.
Other names: c.4846G>A, p.Gly1616Arg (NM_019105.8); short protein forms G1616R.
Identifiers: ClinVar variation 1743530 (VCV001743530.2), dbSNP rs751491483, ClinGen allele CA3734873.